The following is an entry in ClinVar:

ClinVar aggregate classification (germline): Uncertain significance (1 of 4 stars; one submission).

Submission:

Labcorp Genetics (formerly Invitae), Labcorp
Classification: Uncertain significance. Last evaluated: 2023-08-10. Review status: criteria provided, single submitter. Criteria: Invitae Variant Classification Sherloc (09022015). Collection method: clinical testing. Allele origin: germline.
Comment: Advanced modeling of protein sequence and biophysical properties (such as structural, functional, and spatial information, amino acid conservation, physicochemical variation, residue mobility, and thermodynamic stability) performed at Invitae indicates that this missense variant is expected to disrupt YWHAG protein function. This sequence change replaces leucine, which is neutral and non-polar, with arginine, which is basic and polar, at codon 44 of the YWHAG protein (p.Leu44Arg). This variant is not present in population databases (gnomAD no frequency). This variant has not been reported in the literature in individuals affected with YWHAG-related conditions. ClinVar contains an entry for this variant (Variation ID: 1441436). In summary, the available evidence is currently insufficient to determine the role of this variant in disease. Therefore, it has been classified as a Variant of Uncertain Significance.

NM_012479.4(YWHAG):c.131T>G (p.Leu44Arg)

Gene: YWHAG (tyrosine 3-monooxygenase/tryptophan 5-monooxygenase activation protein gamma; minus strand). Cytogenetic location: 7q11.23.
Variant type: single nucleotide variant.
Coding change: c.131T>G on transcript NM_012479.4 (MANE Select); coding-DNA position 131, T replaced by G.
Protein change: p.Leu44Arg; replaces leucine 44 with arginine.
Molecular consequence: missense variant.
Genome position (GRCh38, 1-based): chr7:76,330,190, A>C on the plus strand (T>G on the coding strand, the complement: YWHAG is on the minus strand). VCF-style: chr7-76330190-A-C. GRCh37 (hg19) VCF-style: chr7-75959507-A-C.
Other names: short protein forms L44R.
Identifiers: ClinVar variation 1441436 (VCV001441436.8), dbSNP rs2115589139, ClinGen allele CA367778078.
Genomic context (GRCh38, chr7:76,330,190, plus strand): 5'-CTGATGACCCTCCAGGAAGAGCGGCGTGCCCCCACAACGTTCTTGTAGGCCACAGACAGA[A>C]GGTTTCGTTCCTCATTCGACAGTGGCTCATTCAGCTCTGTCACCTGCCAGGAGGAAAGAA-3'
Protein context (NP_036611.2, residues 34-54): NEPLSNEERN[Leu44Arg]LSVAYKNVVG